The following is an entry in ClinVar:

NM_020937.4(FANCM):c.4736A>T (p.Lys1579Ile)

Gene: FANCM (FA complementation group M; plus strand). Cytogenetic location: 14q21.2.
Variant type: single nucleotide variant.
Coding change: c.4736A>T on transcript NM_020937.4 (MANE Select); coding-DNA position 4736, A replaced by T.
Protein change: p.Lys1579Ile; replaces lysine 1579 with isoleucine.
Molecular consequence: missense variant.
Genome position (GRCh38, 1-based): chr14:45,187,844, A>T. VCF-style: chr14-45187844-A-T. GRCh37 (hg19) VCF-style: chr14-45657047-A-T.
Other names: c.4658A>T, p.Lys1553Ile (NM_001308133.2); short protein forms K1579I, K1553I.
Identifiers: ClinVar variation 5036597 (VCV005036597.1).

ClinVar aggregate classification (germline): Uncertain significance (1 of 4 stars; one submission).

Conditions:
Inborn genetic diseases. Identifiers: MedGen C0950123, MeSH D030342.

Submission:

Ambry Genetics
Classification: Uncertain significance for Inborn genetic diseases. Last evaluated: 2026-07-02. Review status: criteria provided, single submitter. Criteria: Ambry Variant Classification Scheme 2023. Collection method: clinical testing. Allele origin: germline.
Comment: The p.K1579I variant (also known as c.4736A>T), located in coding exon 19 of the FANCM gene, results from an A to T substitution at nucleotide position 4736. The lysine at codon 1579 is replaced by isoleucine, an amino acid with dissimilar properties. This amino acid position is conserved. In addition, this alteration is predicted to be tolerated by in silico analysis. Based on the available evidence, the clinical significance of this variant remains unclear.